The following is an entry in ClinVar:

ClinVar aggregate classification (germline): Likely benign (1 of 4 stars; one submission).

Allele frequency attached by ClinVar (database versions not stated): gnomAD exomes below 0.00001; TOPMed below 0.00001; ExAC 0.00001; gnomAD 0.00001.
gnomAD v4.1: 7 of 1,613,624 alleles (0.00043%); highest among the groups gnomAD compares: African/African-American, 0.0027%; no homozygotes.

Submission:

CeGaT Center for Human Genetics Tuebingen
Classification: Likely benign. Last evaluated: 2023-02-01. Review status: criteria provided, single submitter. Criteria: CeGaT Center For Human Genetics Tuebingen Variant Classification Criteria Version 2. Collection method: clinical testing. Allele origin: germline. Affected: yes. Observed: 1 variant allele.
Comment: TBCD: BP4, BP7

NM_005993.5(TBCD):c.3183G>A (p.Thr1061=)

Gene: TBCD (tubulin folding cofactor D). Cytogenetic location: 17q25.3.
Variant type: single nucleotide variant.
Coding change: c.3183G>A on transcript NM_005993.5 (MANE Select); coding-DNA position 3183, G replaced by A.
Protein change: p.Thr1061=; no amino-acid change (threonine 1061 retained).
Molecular consequence: synonymous variant.
Genome position (GRCh38, 1-based): chr17:82,932,727, G>A. VCF-style: chr17-82932727-G-A. GRCh37 (hg19) VCF-style: chr17-80890603-G-A.
Other names: c.3132G>A, p.Thr1044= (NM_001411101.1); c.3102G>A, p.Thr1034= (NM_001411102.1).
Identifiers: ClinVar variation 2648503 (VCV002648503.24), dbSNP rs771527000, ClinGen allele CA8863432.